The following is an entry in ClinVar:

ClinVar aggregate classification (germline): Uncertain significance (1 of 4 stars; one submission).

gnomAD v4.1: 3 of 1,552,574 alleles (0.00019%); highest among the groups gnomAD compares: Non-Finnish European, 0.00026%; no homozygotes.

Submission:

GeneDx
Classification: Uncertain significance. Last evaluated: 2025-09-04. Review status: criteria provided, single submitter. Criteria: GeneDx Variant Classification Process June 2021. Collection method: clinical testing. Allele origin: germline. Affected: yes.
Comment: Not observed at significant frequency in large population cohorts (gnomAD); In silico analysis suggests that this variant does not alter splicing; Has not been previously published as pathogenic or benign to our knowledge

NM_018896.5(CACNA1G):c.2911-8C>A

Gene: CACNA1G (calcium voltage-gated channel subunit alpha1 G; plus strand). Cytogenetic location: 17q21.33.
Variant type: single nucleotide variant.
Coding change: c.2911-8C>A on transcript NM_018896.5 (MANE Select); 8 bases into the intron before coding-DNA position 2911, C replaced by A.
Molecular consequence: intron variant.
Genome position (GRCh38, 1-based): chr17:50,594,985, C>A. VCF-style: chr17-50594985-C-A. GRCh37 (hg19) VCF-style: chr17-48672346-C-A.
Other names: c.2911-8C>A (NM_001256325.2, NM_198377.3, NM_198380.3 and 16 more transcripts); c.2911-1577C>A (NM_198396.3, NM_198379.3, NM_198387.3 and 5 more transcripts).
Identifiers: ClinVar variation 4813256 (VCV004813256.1).